The following is an entry in ClinVar:

NM_001162501.2(TNRC6B):c.3602T>C (p.Phe1201Ser)

Gene: TNRC6B (trinucleotide repeat containing adaptor 6B; plus strand). Cytogenetic location: 22q13.1.
Variant type: single nucleotide variant.
Coding change: c.3602T>C on transcript NM_001162501.2 (MANE Select); coding-DNA position 3602, T replaced by C.
Protein change: p.Phe1201Ser; replaces phenylalanine 1201 with serine.
Molecular consequence: missense variant.
Genome position (GRCh38, 1-based): chr22:40,285,664, T>C. VCF-style: chr22-40285664-T-C. GRCh37 (hg19) VCF-style: chr22-40681668-T-C.
Other names: c.1190T>C, p.Phe397Ser (NM_001024843.2); c.3272T>C, p.Phe1091Ser (NM_015088.3); short protein forms F1091S, F1201S, F397S.
Identifiers: ClinVar variation 2579907 (VCV002579907.2), dbSNP rs2518010881, ClinGen allele CA411654255.

ClinVar aggregate classification (germline): Uncertain significance (1 of 4 stars; one submission).

Submission:

GeneDx
Classification: Uncertain significance. Last evaluated: 2025-12-27. Review status: criteria provided, single submitter. Criteria: GeneDx Variant Classification Process June 2021. Collection method: clinical testing. Allele origin: germline.
Comment: Has not been previously published as pathogenic or benign to our knowledge; Not observed at significant frequency in large population cohorts (gnomAD); In silico analysis supports that this missense variant has a deleterious effect on protein structure/function